The following is an entry in ClinVar:

NM_133642.5(LARGE1):c.179G>A (p.Arg60Gln)

Gene: LARGE1 (LARGE xylosyl- and glucuronyltransferase 1; minus strand). Cytogenetic location: 22q12.3.
Variant type: single nucleotide variant.
Coding change: c.179G>A on transcript NM_133642.5 (MANE Select); coding-DNA position 179, G replaced by A.
Protein change: p.Arg60Gln; replaces arginine 60 with glutamine.
Molecular consequence: missense variant.
Genome position (GRCh38, 1-based): chr22:33,650,596, C>T on the plus strand (G>A on the coding strand, the complement: LARGE1 is on the minus strand). VCF-style: chr22-33650596-C-T. GRCh37 (hg19) VCF-style: chr22-34046582-C-T.
Other names: c.179G>A, p.Arg60Gln (NM_001362949.2, NM_001362951.2, NM_001362953.2 and 7 more transcripts); short protein forms R60Q.
Identifiers: ClinVar variation 197240 (VCV000197240.8), dbSNP rs147620818, ClinGen allele CA245257.

ClinVar aggregate classification (germline): Uncertain significance. Review status: criteria provided, multiple submitters, no conflicts (2 of 4 stars). 2 submissions from 2 submitters: Uncertain significance (2). Last evaluated 2022-10-05.

Conditions:
Muscular dystrophy-dystroglycanopathy type B6 (MDDGB6). Also called: MUSCULAR DYSTROPHY-DYSTROGLYCANOPATHY (CONGENITAL WITH IMPAIRED INTELLECTUAL DEVELOPMENT), TYPE B, 6; MUSCULAR DYSTROPHY, CONGENITAL, LARGE-RELATED; MUSCULAR DYSTROPHY, CONGENITAL, TYPE 1D. Identifiers: MedGen C1837229, MONDO:0012138, OMIM 608840.

Allele frequency attached by ClinVar (database versions not stated): ExAC 0.00002; ESP Exome Variant Server 0.00015; 1000 Genomes Project 0.00020; gnomAD exomes 0.00005; gnomAD 0.00013 and 0.00014; TOPMed 0.00014; 1000 Genomes Project 30x 0.00031.
gnomAD v4.1: 44 of 1,605,398 alleles (0.0027%); highest among the groups gnomAD compares: African/African-American, 0.036%; no homozygotes.

Submissions (2):

Labcorp Genetics (formerly Invitae), Labcorp
Classification: Uncertain significance for Muscular dystrophy-dystroglycanopathy type B6. Last evaluated: 2022-10-05. Review status: criteria provided, single submitter. Criteria: Invitae Variant Classification Sherloc (09022015). Collection method: clinical testing. Allele origin: germline.
Comment: This sequence change replaces arginine, which is basic and polar, with glutamine, which is neutral and polar, at codon 60 of the LARGE1 protein (p.Arg60Gln). This variant is present in population databases (rs147620818, gnomAD 0.04%). This variant has not been reported in the literature in individuals affected with LARGE1-related conditions. ClinVar contains an entry for this variant (Variation ID: 197240). Algorithms developed to predict the effect of missense changes on protein structure and function (SIFT, PolyPhen-2, Align-GVGD) all suggest that this variant is likely to be tolerated. In summary, the available evidence is currently insufficient to determine the role of this variant in disease. Therefore, it has been classified as a Variant of Uncertain Significance.

Eurofins Ntd Llc (ga)
Classification: Uncertain significance. Last evaluated: 2014-11-28. Review status: criteria provided, single submitter. Criteria: EGL Classification Definitions 2015. Collection method: clinical testing. Allele origin: germline. Observed: 1 variant allele, 1 heterozygote.